The following is an entry in ClinVar:

ClinVar aggregate classification (germline): Pathogenic (1 of 4 stars; one submission).

Conditions:
Tuberous sclerosis 2 (TSC2). Identifiers: Orphanet 805, MedGen C1860707, MONDO:0013199, OMIM 613254.

Submission:

Labcorp Genetics (formerly Invitae), Labcorp
Classification: Pathogenic for Tuberous sclerosis 2. Last evaluated: 2021-04-05. Review status: criteria provided, single submitter. Criteria: Invitae Variant Classification Sherloc (09022015). Collection method: clinical testing. Allele origin: germline.
Comment: For these reasons, this variant has been classified as Pathogenic. This variant has not been reported in the literature in individuals with TSC2-related conditions. This variant is not present in population databases (ExAC no frequency). This sequence change creates a premature translational stop signal (p.His582Glnfs*118) in the TSC2 gene. It is expected to result in an absent or disrupted protein product. Loss-of-function variants in TSC2 are known to be pathogenic (PMID: 10205261, 17304050).

Literature cited by the submitters: PubMed 10205261; PubMed 17304050.

NM_000548.5(TSC2):c.1741_1745dup (p.His582fs)

Gene: TSC2 (TSC complex subunit 2; plus strand). Cytogenetic location: 16p13.3.
Variant type: Duplication.
Coding change: c.1741_1745dup on transcript NM_000548.5 (MANE Select); coding-DNA positions 1741 to 1745, 5 bases duplicated (AGCCA; older notation c.1741_1745dupAGCCA).
Protein change: p.His582fs; shifts the reading frame from histidine 582.
Molecular consequence: frameshift variant.
Genome position (GRCh38, 1-based): chr16:2,070,480-2,070,484, AGCCA duplicated; duplicating any 5 consecutive bases within chr16:2,070,478-2,070,484 gives the same sequence; the c. name uses the placement nearest the transcript's 3' end. VCF-style (leftmost placement, unchanged base first): chr16-2070477-G-GCAAGC. GRCh37 (hg19) VCF-style: chr16-2120478-G-GCAAGC.
Other names: c.1594_1598dup, p.His533fs (NM_001318829.2); c.1141_1145dup, p.His382fs (NM_001318831.2); c.1774_1778dup, p.His593fs (NM_001318832.2); c.1741_1745dup, p.His582fs (NM_001363528.2, NM_001370404.1, NM_001370405.1 and 3 more transcripts); c.1630_1634dup, p.His545fs (NM_001318827.2); short protein forms H582fs, H593fs, H533fs, H382fs, H545fs.
Identifiers: ClinVar variation 1425919 (VCV001425919.6), dbSNP rs2151278476, ClinGen allele CA2573151518.